The following is an entry in ClinVar:

ClinVar aggregate classification (germline): Uncertain significance (1 of 4 stars; one submission).

Submission:

Labcorp Genetics (formerly Invitae), Labcorp
Classification: Uncertain significance. Last evaluated: 2022-08-09. Review status: criteria provided, single submitter. Criteria: Invitae Variant Classification Sherloc (09022015). Collection method: clinical testing. Allele origin: germline.
Comment: This sequence change replaces isoleucine, which is neutral and non-polar, with methionine, which is neutral and non-polar, at codon 55 of the PROSC protein (p.Ile55Met). In summary, the available evidence is currently insufficient to determine the role of this variant in disease. Therefore, it has been classified as a Variant of Uncertain Significance. Algorithms developed to predict the effect of missense changes on protein structure and function (SIFT, PolyPhen-2, Align-GVGD) all suggest that this variant is likely to be tolerated. This variant has not been reported in the literature in individuals affected with PROSC-related conditions. This variant is not present in population databases (gnomAD no frequency).

NM_007198.4(PLPBP):c.165C>G (p.Ile55Met)

Gene: PLPBP (pyridoxal phosphate binding protein; plus strand). Cytogenetic location: 8p11.23.
Variant type: single nucleotide variant.
Coding change: c.165C>G on transcript NM_007198.4 (MANE Select); coding-DNA position 165, C replaced by G.
Protein change: p.Ile55Met; replaces isoleucine 55 with methionine.
Molecular consequence: missense variant.
Genome position (GRCh38, 1-based): chr8:37,765,591, C>G. VCF-style: chr8-37765591-C-G. GRCh37 (hg19) VCF-style: chr8-37623109-C-G.
Other names: c.165C>G, p.Ile55Met (NM_001349346.2, NM_001349347.2); c.9C>G, p.Ile3Met (NM_001349348.2); c.270C>G, p.Ile90Met (NM_001349349.1); short protein forms I90M, I3M, I55M.
Identifiers: ClinVar variation 2023257 (VCV002023257.4), dbSNP rs372146404, ClinGen allele CA370666696.